The following is an entry in ClinVar:

ClinVar aggregate classification (germline): Uncertain significance (3 of 4 stars; one submission).

Conditions:
Open-angle glaucoma. Identifiers: MedGen C0017612, MONDO:0005338, HP:0012108.

Submission:

ClinGen Glaucoma Variant Curation Expert Panel
Classification: Uncertain significance for Open-angle glaucoma. Last evaluated: 2025-12-03. Review status: reviewed by expert panel. Criteria: ClinGen Glaucoma ACMG Specifications V2.0.0 Approved. Collection method: curation. Allele origin: germline. Inheritance: Autosomal dominant inheritance.
Comment: The c.372G>C variant in MYOC is a synonymous variant (p.Leu124=). The highest minor allele frequency of this variant was in the Remaining genetic ancestry group of gnomAD (v4.1.0) = 0.000016 (1 alleles out of 62,512), which met the ≤ 0.0001 threshold set for PM2_Supporting in a genetic ancestry group of at least 10,000 alleles. The SpliceAI score = 0, which met the ≤ 0.1 threshold for BP4, suggesting that the variant does not impact MYOC function. This synonymous variant meets BP4, so BP7 is met. There was no functional evidence predicting a damaging or benign impact of this variant on MYOC function. Only 1 proband with primary open angle glaucoma had been reported (PMID: 22736945), not meeting the ≥ 2 probands threshold required to meet PS4_Supporting. In summary, this variant met the criteria to receive a score of -1 and to be classified as a variant of uncertain significance (uncertain significance classification range -1 to 5, adapted from PMID: 32720330) for primary open angle glaucoma based on the ACMG/AMP criteria met, as specified by the ClinGen Glaucoma VCEP (v2.0.0, 5 Dec 2024): PM2_Supporting, BP4, BP7

NM_000261.2(MYOC):c.372G>C (p.Leu124=)

Gene: MYOC (myocilin; minus strand). Cytogenetic location: 1q24.3.
Variant type: single nucleotide variant.
Coding change: c.372G>C on transcript NM_000261.2 (MANE Select); coding-DNA position 372, G replaced by C.
Protein change: p.Leu124=; no amino-acid change (leucine 124 retained).
Molecular consequence: synonymous variant.
Genome position (GRCh38, 1-based): chr1:171,652,240, C>G on the plus strand (G>C on the coding strand, the complement: MYOC is on the minus strand). VCF-style: chr1-171652240-C-G. GRCh37 (hg19) VCF-style: chr1-171621380-C-G.
Other names: NM_000261.2:c.372G>C.
Identifiers: ClinVar variation 1703224 (VCV001703224.2), dbSNP rs2527873393, ClinGen allele CA421939550.
Genomic context (GRCh38, chr1:171,652,240, plus strand): 5'-GTTGCTGTAGGCAGTCTCCAACTCTCTGGTTTGGGTTTCCAGCTGGTCCCGCTCCCGCCT[C>G]AGGGTGCCCAGCTCCCTCTGCAGCCCCTCCTGGGTCTCCTGGGGCCTGGCAGCCTGGTCC-3'
Protein context (NP_000252.1, residues 114-134): QEGLQRELGT[Leu124=]RRERDQLETQ